The following is an entry in ClinVar:

ClinVar aggregate classification (germline): Likely pathogenic (1 of 4 stars; one submission).

Submission:

GeneDx
Classification: Likely pathogenic. Last evaluated: 2016-12-15. Review status: criteria provided, single submitter. Criteria: GeneDx Variant Classification (06012015). Collection method: clinical testing. Allele origin: germline. Affected: yes.
Comment: A novel c.5623delC variant that is likely pathogenic was identified in the CREBBP gene. It has not been published as a pathogenic variant, nor has it been reported as a benign variant to our knowledge. c.5623delC was not observed in approximately 6400 individuals of European and African American ancestry in the NHLBI Exome Sequencing Project, indicating it is not a common benign variant in these populations. The c.5623delC pathogenic variant causes a frameshift starting with codon Arginine 1875, changes this amino acid to a Alanine residue and creates a premature Stop codon at position 40 of the new reading frame, denoted p.Arg1875AlafsX40. This variant is predicted to cause loss of normal protein function through protein truncation. Therefore, this variant is likely pathogenic; however, the possibility that it is benign cannot be excluded.

NM_004380.3(CREBBP):c.5623del (p.Arg1875fs)

Gene: CREBBP (CREB binding protein; minus strand). Cytogenetic location: 16p13.3.
Variant type: Deletion.
Coding change: c.5623del on transcript NM_004380.3 (MANE Select); coding-DNA position 5623, one base deleted (C; older notation c.5623delC).
Protein change: p.Arg1875fs; shifts the reading frame from arginine 1875.
Molecular consequence: frameshift variant.
Genome position (GRCh38, 1-based): chr16:3,729,424, G deleted on the plus strand (C on the coding strand, the reverse complement: CREBBP is on the minus strand); the first of 3 consecutive G bases (chr16:3,729,424-3,729,426); deleting any one gives the same sequence. VCF-style (leftmost placement, unchanged base first): chr16-3729423-CG-C. GRCh37 (hg19) VCF-style: chr16-3779424-CG-C.
Other names: c.5509del, p.Arg1837fs (NM_001079846.1); c.5623delC (NM_004380.2); short protein forms R1837fs, R1875fs.
Identifiers: ClinVar variation 422869 (VCV000422869.2), dbSNP rs1064796056, ClinGen allele CA16620196.